The following is an entry in ClinVar:

ClinVar aggregate classification (germline): Uncertain significance (1 of 4 stars; one submission).

Conditions:
Encephalopathy, acute, infection-induced (herpes-specific), susceptibility to, 6. Also called: Herpes simplex encephalitis, susceptibility to, 4. Identifiers: Orphanet 1930, MedGen C3553869, MONDO:0013921, OMIM 614850.

Allele frequency attached by ClinVar (database versions not stated): gnomAD exomes 0.00001; gnomAD 0.00001; TOPMed 0.00001.

Submission:

Labcorp Genetics (formerly Invitae), Labcorp
Classification: Uncertain significance for Encephalopathy, acute, infection-induced (herpes-specific), susceptibility to, 6. Last evaluated: 2022-03-19. Review status: criteria provided, single submitter. Criteria: Invitae Variant Classification Sherloc (09022015). Collection method: clinical testing. Allele origin: germline.
Comment: In summary, the available evidence is currently insufficient to determine the role of this variant in disease. Therefore, it has been classified as a Variant of Uncertain Significance. Algorithms developed to predict the effect of missense changes on protein structure and function (SIFT, PolyPhen-2, Align-GVGD) all suggest that this variant is likely to be tolerated. This variant has not been reported in the literature in individuals affected with TICAM1-related conditions. This variant is present in population databases (no rsID available, gnomAD 0.002%). This sequence change replaces alanine, which is neutral and non-polar, with threonine, which is neutral and polar, at codon 563 of the TICAM1 protein (p.Ala563Thr).

NM_182919.4(TICAM1):c.1687G>A (p.Ala563Thr)

Gene: TICAM1 (TIR domain containing adaptor molecule 1; minus strand). Cytogenetic location: 19p13.3.
Variant type: single nucleotide variant.
Coding change: c.1687G>A on transcript NM_182919.4 (MANE Select); coding-DNA position 1687, G replaced by A.
Protein change: p.Ala563Thr; replaces alanine 563 with threonine.
Molecular consequence: missense variant.
Genome position (GRCh38, 1-based): chr19:4,816,691, C>T on the plus strand (G>A on the coding strand, the complement: TICAM1 is on the minus strand). VCF-style: chr19-4816691-C-T. GRCh37 (hg19) VCF-style: chr19-4816703-C-T.
Other names: c.1645G>A, p.Ala549Thr (NM_001385678.1); c.1552G>A, p.Ala518Thr (NM_001385679.1); c.1045G>A, p.Ala349Thr (NM_001385680.1); short protein forms A349T, A549T, A518T, A563T.
Identifiers: ClinVar variation 1417238 (VCV001417238.4), dbSNP rs1467248135, ClinGen allele CA403489047.
Genomic context (GRCh38, chr19:4,816,691, plus strand): 5'-GTGCCTGGTAGGACAAGTAGCTCTGGAGGTAGGCTGAGTAGGCTGCGTTCAGTGCCGCCG[C>T]CTGCATCCGCTCACCGTCCAGGTGTTGGCTCTGTTCCCGCAGGGCTCGGGTGTCCTGTTC-3'
Protein context (NP_891549.1, residues 553-573): SQHLDGERMQ[Ala563Thr]AALNAAYSAY